The following is an entry in ClinVar:

ClinVar aggregate classification (germline): Uncertain significance (1 of 4 stars; one submission).

Conditions:
Hypertrophic cardiomyopathy 14. Identifiers: MedGen C2750467, MONDO:0013197, OMIM 613251.

gnomAD v4.1: 1 of 1,614,186 alleles (0.000062%); highest among the groups gnomAD compares: Non-Finnish European, 0.000085%; no homozygotes.

Submission:

Labcorp Genetics (formerly Invitae), Labcorp
Classification: Uncertain significance for Hypertrophic cardiomyopathy 14. Last evaluated: 2024-12-08. Review status: criteria provided, single submitter. Criteria: Invitae Variant Classification Sherloc (09022015). Collection method: clinical testing. Allele origin: germline.
Comment: This sequence change replaces alanine, which is neutral and non-polar, with glutamic acid, which is acidic and polar, at codon 110 of the MYH6 protein (p.Ala110Glu). This variant is not present in population databases (gnomAD no frequency). This variant has not been reported in the literature in individuals affected with MYH6-related conditions. Invitae Evidence Modeling of protein sequence and biophysical properties (such as structural, functional, and spatial information, amino acid conservation, physicochemical variation, residue mobility, and thermodynamic stability) indicates that this missense variant is not expected to disrupt MYH6 protein function with a negative predictive value of 80%. In summary, the available evidence is currently insufficient to determine the role of this variant in disease. Therefore, it has been classified as a Variant of Uncertain Significance.

NM_002471.4(MYH6):c.329C>A (p.Ala110Glu)

Genes: MYH6 (myosin heavy chain 6; minus strand), LOC114827851 (VISTA enhancer hs2155; plus strand). Cytogenetic location: 14q11.2.
Variant type: single nucleotide variant.
Coding change: c.329C>A on transcript NM_002471.4 (MANE Select); coding-DNA position 329, C replaced by A.
Protein change: p.Ala110Glu; replaces alanine 110 with glutamic acid.
Molecular consequence: missense variant.
Genome position (GRCh38, 1-based): chr14:23,405,643, G>T on the plus strand (C>A on the coding strand, the complement: MYH6 is on the minus strand). VCF-style: chr14-23405643-G-T. GRCh37 (hg19) VCF-style: chr14-23874852-G-T.
Other names: short protein forms A110E.
Identifiers: ClinVar variation 3695218 (VCV003695218.2).
Genomic context (GRCh38, chr14:23,405,643, plus strand): 5'-CCACGCAGCACAGGAAGCCTCTGCAGTGTGCAGGAGCCACTCACATATATCATCCAGGCC[G>T]CGTAGCGCTCCTTGAGGTTGAAAAGCACCGCGGGCTCGTGCAGGAAGGTCAGCATGGCCA-3'
Protein context (NP_002462.2, residues 100-120): AVLFNLKERY[Ala110Glu]AWMIYTYSGL